The following is an entry in ClinVar:

NM_004304.5(ALK):c.1128C>T (p.Leu376=)

Gene: ALK (ALK receptor tyrosine kinase; minus strand). Cytogenetic location: 2p23.2.
Variant type: single nucleotide variant.
Coding change: c.1128C>T on transcript NM_004304.5 (MANE Select); coding-DNA position 1128, C replaced by T.
Protein change: p.Leu376=; no amino-acid change (leucine 376 retained).
Molecular consequence: synonymous variant.
Genome position (GRCh38, 1-based): chr2:29,531,941, G>A on the plus strand (C>T on the coding strand, the complement: ALK is on the minus strand). VCF-style: chr2-29531941-G-A. GRCh37 (hg19) VCF-style: chr2-29754807-G-A.
Identifiers: ClinVar variation 412926 (VCV000412926.18), dbSNP rs200396075, ClinGen allele CA1594763.

ClinVar aggregate classification (germline): Benign/Likely benign. Review status: criteria provided, multiple submitters, no conflicts (2 of 4 stars). 5 submissions from 5 submitters: Benign (2); Likely benign (3). Last evaluated 2026-01-28.

Conditions:
Hereditary cancer-predisposing syndrome. Also called: Neoplastic Syndromes, Hereditary; Tumor predisposition; Hereditary Cancer Syndrome; Hereditary neoplastic syndrome. Identifiers: Orphanet 140162, MedGen C0027672, MeSH D009386, MONDO:0015356.
Neuroblastoma, susceptibility to, 3. Also called: ALK-Related Neuroblastic Tumor Susceptibility. Identifiers: Orphanet 635, MedGen C2751681, MONDO:0013083, OMIM 613014.

Allele frequency attached by ClinVar (database versions not stated): gnomAD 0.00009 and 0.00040; TOPMed 0.00025; gnomAD exomes 0.00063 and 0.00148; ExAC 0.00166; 1000 Genomes Project 0.00180; 1000 Genomes Project 30x 0.00187.
gnomAD v4.1: 979 of 1,614,182 alleles (0.061%); highest among the groups gnomAD compares: South Asian, 1%; 11 homozygotes.

Submissions (5):

Labcorp Genetics (formerly Invitae), Labcorp
Classification: Benign for Neuroblastoma, susceptibility to, 3. Last evaluated: 2026-01-28. Review status: criteria provided, single submitter. Criteria: Invitae Variant Classification Sherloc (09022015). Collection method: clinical testing. Allele origin: germline.

Blueprint Genetics
Classification: Likely benign. Last evaluated: 2024-11-18. Review status: criteria provided, single submitter. Criteria: ACMG Guidelines, 2015. Collection method: clinical testing. Allele origin: germline.

KCCC/NGS Laboratory, Kuwait Cancer Control Center
Classification: Benign for Neuroblastoma, susceptibility to, 3. Last evaluated: 2023-07-07. Review status: criteria provided, single submitter. Criteria: ACMG Guidelines, 2015. Collection method: clinical testing. Allele origin: germline. Affected: yes.

Ambry Genetics
Classification: Likely benign for Hereditary cancer-predisposing syndrome. Last evaluated: 2022-02-15. Review status: criteria provided, single submitter. Criteria: Ambry Variant Classification Scheme 2023. Collection method: clinical testing. Allele origin: germline.

GeneDx
Classification: Likely benign. Last evaluated: 2021-06-21. Review status: criteria provided, single submitter. Criteria: GeneDx Variant Classification Process June 2021. Collection method: clinical testing. Allele origin: germline. Affected: yes.
Comment: See Variant Classification Assertion Criteria.